The following is an entry in ClinVar:

NM_001330078.2(NRXN1):c.2485C>T (p.Gln829Ter)

Gene: NRXN1 (neurexin 1; minus strand). Cytogenetic location: 2p16.3.
Variant type: single nucleotide variant.
Coding change: c.2485C>T on transcript NM_001330078.2 (MANE Select); coding-DNA position 2485, C replaced by T.
Protein change: p.Gln829Ter; replaces glutamine 829 with a stop codon.
Molecular consequence: nonsense.
Genome position (GRCh38, 1-based): chr2:50,506,507, G>A on the plus strand (C>T on the coding strand, the complement: NRXN1 is on the minus strand). VCF-style: chr2-50506507-G-A. GRCh37 (hg19) VCF-style: chr2-50733645-G-A.
Other names: c.2605C>T, p.Gln869Ter (NM_001135659.3); c.2461C>T, p.Gln821Ter (NM_001330077.2, NM_001330082.2); c.2419C>T, p.Gln807Ter (NM_001330083.2, NM_001330084.2); c.2458C>T, p.Gln820Ter (NM_001330085.2); c.2485C>T, p.Gln829Ter (NM_001330086.2, NM_004801.6); c.2374C>T, p.Gln792Ter (NM_001330087.2, NM_001330096.2); c.2404C>T, p.Gln802Ter (NM_001330088.2); c.2482C>T, p.Gln828Ter (NM_001330093.2); and 2 more; short protein forms Q792*, Q802*, Q807*, Q812*, Q820*, Q821*, Q825*, Q828*.
Identifiers: ClinVar variation 4850805 (VCV004850805.1).
Genomic context (GRCh38, chr2:50,506,507, plus strand): 5'-AGTCAAAAGCGTTAGCATAGGAAAAGACAATGGGACAGAGGTGTTTACCTGTCATGGCCT[G>A]TTGGTCATCCACTGTTAACTTTAAACTTTTTCCACGCCGAACTACACGCACTGTGTGCCA-3'

ClinVar aggregate classification (germline): Likely pathogenic (1 of 4 stars; one submission).

Conditions:
Pitt-Hopkins-like syndrome 2 (PTHSL2). Identifiers: Orphanet 221150, Orphanet 600663, MedGen C3280479, MONDO:0013690, OMIM 614325.

Submission:

Variantyx, Inc.
Classification: Likely pathogenic for Pitt-Hopkins-like syndrome 2. Last evaluated: 2025-05-12. Review status: criteria provided, single submitter. Criteria: Variantyx Assertion Criteria 2022. Collection method: clinical testing. Allele origin: germline. Inheritance: Autosomal recessive inheritance. Affected: yes.
Comment: This is a nonsense variant in the NRXN1 gene (OMIM: 600565). Pathogenic variants in this gene have been associated with autosomal recessive Pitt-Hopkins-like syndrome 2. This variant introduces a premature termination codon in exon 13 out of 23 and is expected to result in loss of function, which is a known disease mechanism for NRXN1 in this disorder (PMID: 20162629, 18057082, 20468056, 21424692, 27869829) (PVS1). This variant is absent from control populations (PM2) and it has not been reported in individuals with NRXN1-related disorders in the databases available for review. Based on the current evidence, this variant is classified as likely pathogenic for autosomal recessive Pitt-Hopkins-like syndrome 2.

Literature cited by the submitters: PubMed 20162629; PubMed 18057082; PubMed 20468056; PubMed 21424692; PubMed 27869829.